The following is an entry in ClinVar:

ClinVar aggregate classification (germline): Uncertain significance (1 of 4 stars; one submission).

Submission:

GeneDx
Classification: Uncertain significance. Last evaluated: 2019-08-06. Review status: criteria provided, single submitter. Criteria: GeneDx Variant Classification Process June 2021. Collection method: clinical testing. Allele origin: germline. Affected: yes.
Comment: Not observed in large population cohorts (Lek et al., 2016); In silico analysis, which includes splice predictors and evolutionary conservation, supports that this variant does not alter protein structure/function; Has not been previously published as pathogenic or benign to our knowledge

NM_001378328.1(CELSR1):c.6251-4C>T

Gene: CELSR1 (cadherin EGF LAG seven-pass G-type receptor 1; minus strand). Cytogenetic location: 22q13.31.
Variant type: single nucleotide variant.
Coding change: c.6251-4C>T on transcript NM_001378328.1 (MANE Select); 4 bases into the intron before coding-DNA position 6251, C replaced by T.
Molecular consequence: intron variant.
Genome position (GRCh38, 1-based): chr22:46,390,490, G>A on the plus strand (C>T on the coding strand, the complement: CELSR1 is on the minus strand). VCF-style: chr22-46390490-G-A. GRCh37 (hg19) VCF-style: chr22-46786387-G-A.
Other names: c.6251-4C>T (NM_014246.4).
Identifiers: ClinVar variation 1320538 (VCV001320538.2), dbSNP rs2147251260, ClinGen allele CA2573055030.